The following is an entry in ClinVar:

NC_000016.9:g.(?_28486664)_(28503100_?)dup

Gene: CLN3 (CLN3 lysosomal/endosomal transmembrane protein, battenin; minus strand). Cytogenetic location: 16p12.1.
Variant type: Duplication.
Identifiers: ClinVar variation 583689 (VCV000583689.2).

ClinVar aggregate classification (germline): Uncertain significance (1 of 4 stars; one submission).

Conditions:
Neuronal ceroid lipofuscinosis. Also called: Neuronal Ceroid Lipofuscinoses. Identifiers: Orphanet 216, Orphanet 79263, MedGen C0027877, MONDO:0016295. Disease mechanism: loss of function.

Submission:

Labcorp Genetics (formerly Invitae), Labcorp
Classification: Uncertain significance for Neuronal ceroid lipofuscinosis. Last evaluated: 2019-09-12. Review status: criteria provided, single submitter. Criteria: Invitae Variant Classification Sherloc (09022015). Collection method: clinical testing. Allele origin: germline.
Comment: A gross duplication of the genomic region encompassing the full coding sequence of the CLN3 gene has been identified. The boundaries of this event are unknown as the duplication extends beyond the assayed region for this gene and therefore may encompass additional genes. As the precise location of this duplication is unknown, it may be in tandem or it may be located elsewhere in the genome. This variant has not been reported in the literature in individuals with CLN3-related disease. Experimental studies are not available for this variant, and the functional significance of the duplicated gene is currently unknown. In summary, the available evidence is currently insufficient to determine the role of this variant in disease. Therefore, it has been classified as a Variant of Uncertain Significance.